The following is an entry in ClinVar:

NM_000182.5(HADHA):c.487A>G (p.Lys163Glu)

Gene: HADHA (hydroxyacyl-CoA dehydrogenase trifunctional multienzyme complex subunit alpha; minus strand). Cytogenetic location: 2p23.3.
Variant type: single nucleotide variant.
Coding change: c.487A>G on transcript NM_000182.5 (MANE Select); coding-DNA position 487, A replaced by G.
Protein change: p.Lys163Glu; replaces lysine 163 with glutamic acid.
Molecular consequence: missense variant.
Genome position (GRCh38, 1-based): chr2:26,232,246, T>C on the plus strand (A>G on the coding strand, the complement: HADHA is on the minus strand). VCF-style: chr2-26232246-T-C. GRCh37 (hg19) VCF-style: chr2-26455114-T-C.
Other names: p.Lys163Glu; c.487A>G (NM_000182.4); short protein forms K163E.
Identifiers: ClinVar variation 3380793 (VCV003380793.2).

ClinVar aggregate classification (germline): Uncertain significance. Review status: criteria provided, multiple submitters, no conflicts (2 of 4 stars). 2 submissions from 2 submitters: Uncertain significance (2). Last evaluated 2024-06-26.

gnomAD v4.1: 1 of 1,602,500 alleles (0.000062%); highest among the groups gnomAD compares: Non-Finnish European, 0.000086%; no homozygotes.

Submissions (2):

GeneDx
Classification: Uncertain significance. Last evaluated: 2024-06-26. Review status: criteria provided, single submitter. Criteria: GeneDx Variant Classification Process June 2021. Collection method: clinical testing. Allele origin: germline. Affected: yes.
Comment: Not observed at significant frequency in large population cohorts (gnomAD); In silico analysis indicates that this missense variant does not alter protein structure/function; Has not been previously published as pathogenic or benign to our knowledge

Mayo Clinic Laboratories, Mayo Clinic
Classification: Uncertain significance. Last evaluated: 2024-06-25. Review status: criteria provided, single submitter. Criteria: ACMG Guidelines, 2015. Collection method: clinical testing. Allele origin: germline. Observed: 1 variant allele.
Comment: PM2